The following is an entry in ClinVar:

NM_024577.4(SH3TC2):c.2756T>G (p.Leu919Ter)

Gene: SH3TC2 (SH3 domain and tetratricopeptide repeats 2; minus strand). Cytogenetic location: 5q32.
Variant type: single nucleotide variant.
Coding change: c.2756T>G on transcript NM_024577.4 (MANE Select); coding-DNA position 2756, T replaced by G.
Protein change: p.Leu919Ter; replaces leucine 919 with a stop codon.
Molecular consequence: nonsense.
Genome position (GRCh38, 1-based): chr5:149,026,976, A>C on the plus strand (T>G on the coding strand, the complement: SH3TC2 is on the minus strand). VCF-style: chr5-149026976-A-C. GRCh37 (hg19) VCF-style: chr5-148406539-A-C.
Other names: short protein forms L919*.
Identifiers: ClinVar variation 3377704 (VCV003377704.1).

ClinVar aggregate classification (germline): Likely pathogenic (1 of 4 stars; one submission).

Conditions:
Charcot-Marie-Tooth disease type 4C (CMT4C). Also called: Charcot-Marie-Tooth Neuropathy Type 4C (CMT4C); SH3TC2-Related Hereditary Motor and Sensory Neuropathy; CMT 4C; CHARCOT-MARIE-TOOTH DISEASE, DEMYELINATING, AUTOSOMAL RECESSIVE, TYPE 4C; CHARCOT-MARIE-TOOTH DISEASE, DEMYELINATING, TYPE 4C. Identifiers: Orphanet 99949, MedGen C1866636, MONDO:0011113, OMIM 601596.

Submission:

Neuberg Centre For Genomic Medicine, NCGM
Classification: Likely pathogenic for Charcot-Marie-Tooth disease type 4C. Last evaluated: 2023-06-22. Review status: criteria provided, single submitter. Criteria: ACMG Guidelines, 2015. Collection method: clinical testing. Allele origin: germline. Inheritance: Autosomal recessive inheritance. Affected: yes.
Comment: The observed stop gain c.2756T>G(p.Leu919Ter) variant in SH3TC2 gene has not been reported previously as a pathogenic variant nor as a benign variant, to our knowledge. The c.2756T>G variant is absent in gnomAD Exomes database. This variant has not been submitted to the ClinVar database. Computational evidence (MutationTaster - disease causing) predict damaging effect on protein structure and function for this variant. The nucleotide change c.2756T>G in SH3TC2 is predicted as conserved by GERP++ and PhyloP across 100 vertebrates. This variant is predicted to cause loss of normal protein function through protein truncation. Loss of function variants have been previously reported to be disease causing (Duan X, et. al., 2021). Functional studies are required to prove pathogenicity of the variant. For these reasons, this variant has been classified as Likely Pathogenic.